The following is an entry in ClinVar:

ClinVar aggregate classification (germline): Likely benign. Review status: criteria provided, multiple submitters, no conflicts (2 of 4 stars). 2 submissions from 2 submitters: Likely benign (2). Last evaluated 2025-12-09.

Conditions:
Mitochondrial trifunctional protein deficiency. Identifiers: Orphanet 746, MedGen C1969443, MONDO:0012172.

Allele frequency attached by ClinVar (database versions not stated): gnomAD 0.00001; gnomAD exomes 0.00005 and 0.00025; TOPMed 0.00012; ExAC 0.00016.
gnomAD v4.1: 76 of 1,606,492 alleles (0.0047%); highest among the groups gnomAD compares: Admixed American, 0.12%; no homozygotes.

Submissions (2):

Labcorp Genetics (formerly Invitae), Labcorp
Classification: Likely benign for Mitochondrial trifunctional protein deficiency. Last evaluated: 2025-12-09. Review status: criteria provided, single submitter. Criteria: Invitae Variant Classification Sherloc (09022015). Collection method: clinical testing. Allele origin: germline.

GeneDx
Classification: Likely benign. Last evaluated: 2018-03-07. Review status: criteria provided, single submitter. Criteria: GeneDx Variant Classification (06012015). Collection method: clinical testing. Allele origin: germline. Affected: yes.
Comment: This variant is considered likely benign or benign based on one or more of the following criteria: it is a conservative change, it occurs at a poorly conserved position in the protein, it is predicted to be benign by multiple in silico algorithms, and/or has population frequency not consistent with disease.

NM_000183.3(HADHB):c.1050A>G (p.Gln350=)

Gene: HADHB (hydroxyacyl-CoA dehydrogenase trifunctional multienzyme complex subunit beta; plus strand). Cytogenetic location: 2p23.3.
Variant type: single nucleotide variant.
Coding change: c.1050A>G on transcript NM_000183.3 (MANE Select); coding-DNA position 1050, A replaced by G.
Protein change: p.Gln350=; no amino-acid change (glutamine 350 retained).
Molecular consequence: synonymous variant.
Genome position (GRCh38, 1-based): chr2:26,283,040, A>G. VCF-style: chr2-26283040-A-G. GRCh37 (hg19) VCF-style: chr2-26505908-A-G.
Other names: c.1005A>G, p.Gln335= (NM_001281512.2); c.984A>G, p.Gln328= (NM_001281513.2).
Identifiers: ClinVar variation 515749 (VCV000515749.15), dbSNP rs753777514, ClinGen allele CA1560425.